The following is an entry in ClinVar:

NM_007118.4(TRIO):c.3114A>C (p.Glu1038Asp)

Gene: TRIO (trio Rho guanine nucleotide exchange factor; plus strand). Cytogenetic location: 5p15.2.
Variant type: single nucleotide variant.
Coding change: c.3114A>C on transcript NM_007118.4 (MANE Select); coding-DNA position 3114, A replaced by C.
Protein change: p.Glu1038Asp; replaces glutamic acid 1038 with aspartic acid.
Molecular consequence: missense variant. On other transcripts: non-coding transcript variant (1).
Genome position (GRCh38, 1-based): chr5:14,369,421, A>C. VCF-style: chr5-14369421-A-C. GRCh37 (hg19) VCF-style: chr5-14369530-A-C.
Other names: short protein forms E1038D.
Identifiers: ClinVar variation 4278580 (VCV004278580.1).

ClinVar aggregate classification (germline): Likely pathogenic (1 of 4 stars; one submission).

gnomAD v4.1: 2 of 1,614,066 alleles (0.00012%); highest among the groups gnomAD compares: Admixed American, 0.0017%; no homozygotes.

Submission:

GeneDx
Classification: Likely pathogenic. Last evaluated: 2025-04-01. Review status: criteria provided, single submitter. Criteria: GeneDx Variant Classification Process June 2021. Collection method: clinical testing. Allele origin: germline. Affected: yes.
Comment: In silico analysis supports that this missense variant has a deleterious effect on protein structure/function; Has not been previously published as pathogenic or benign to our knowledge